The following is an entry in ClinVar:

NM_021067.5(GINS1):c.523-7C>A

Gene: GINS1 (GINS complex subunit 1; plus strand). Cytogenetic location: 20p11.21.
Variant type: single nucleotide variant.
Coding change: c.523-7C>A on transcript NM_021067.5 (MANE Select); 7 bases into the intron before coding-DNA position 523, C replaced by A.
Molecular consequence: intron variant.
Genome position (GRCh38, 1-based): chr20:25,445,916, C>A. VCF-style: chr20-25445916-C-A. GRCh37 (hg19) VCF-style: chr20-25426552-C-A.
Other names: c.406-7C>A (NM_001410830.1); c.268-7C>A (NM_001410831.1).
Identifiers: ClinVar variation 3607358 (VCV003607358.2).
Genomic context (GRCh38, chr20:25,445,916, plus strand): 5'-GAAATAATTTCAAATTCTTTCCCAATCATTTATTTTACTCTTTCTCCATCCCTTCTTGTC[C>A]CCTCAGCACTTTTTACCTCGATGGAAATGTGAGCAGCTGATCAGACAAGGAGTCCTGGAG-3'

ClinVar aggregate classification (germline): Uncertain significance (1 of 4 stars; one submission).

gnomAD v4.1: 2 of 1,567,248 alleles (0.00013%); highest among the groups gnomAD compares: Admixed American, 0.0017%; no homozygotes.

Submission:

Labcorp Genetics (formerly Invitae), Labcorp
Classification: Uncertain significance. Last evaluated: 2024-11-02. Review status: criteria provided, single submitter. Criteria: Invitae Variant Classification Sherloc (09022015). Collection method: clinical testing. Allele origin: germline.
Comment: This sequence change falls in intron 6 of the GINS1 gene. It does not directly change the encoded amino acid sequence of the GINS1 protein. This variant is not present in population databases (gnomAD no frequency). This variant has not been reported in the literature in individuals affected with GINS1-related conditions. Algorithms developed to predict the effect of sequence changes on RNA splicing suggest that this variant may disrupt the consensus splice site. In summary, the available evidence is currently insufficient to determine the role of this variant in disease. Therefore, it has been classified as a Variant of Uncertain Significance.